The following is an entry in ClinVar:

NM_014795.4(ZEB2):c.260A>C (p.Glu87Ala)

Gene: ZEB2 (zinc finger E-box binding homeobox 2; minus strand). Cytogenetic location: 2q22.3.
Variant type: single nucleotide variant.
Coding change: c.260A>C on transcript NM_014795.4 (MANE Select); coding-DNA position 260, A replaced by C.
Protein change: p.Glu87Ala; replaces glutamic acid 87 with alanine.
Molecular consequence: missense variant.
Genome position (GRCh38, 1-based): chr2:144,429,840, T>G on the plus strand (A>C on the coding strand, the complement: ZEB2 is on the minus strand). VCF-style: chr2-144429840-T-G. GRCh37 (hg19) VCF-style: chr2-145187407-T-G.
Other names: c.260A>C, p.Glu87Ala (NM_001171653.2); short protein forms E87A.
Identifiers: ClinVar variation 2834204 (VCV002834204.3), dbSNP rs2549120633, ClinGen allele CA348718715.
Genomic context (GRCh38, chr2:144,429,840, plus strand): 5'-ACAGAGGCTTGTAGAATCTCGTTGTTGTGCCAGGGGTGTTCCACTCCACCCTCCCTTATT[T>G]CATCTTCCTCTTCCTCTCTTGGCAACAGAGCTTGGCTCACGTGTGGGGAGGACTCATGGT-3'
Protein context (NP_055610.1, residues 77-97): ALLPREEEED[Glu87Ala]IREGGVEHPW

ClinVar aggregate classification (germline): Uncertain significance (1 of 4 stars; one submission).

Conditions:
Mowat-Wilson syndrome (MOWS). Also called: Classic Mowat-Wilson Syndrome. Identifiers: Orphanet 2152, MedGen C1856113, MONDO:0009341, OMIM 235730.

Submission:

Labcorp Genetics (formerly Invitae), Labcorp
Classification: Uncertain significance for Mowat-Wilson syndrome. Last evaluated: 2023-02-03. Review status: criteria provided, single submitter. Criteria: Invitae Variant Classification Sherloc (09022015). Collection method: clinical testing. Allele origin: germline.
Comment: Algorithms developed to predict the effect of missense changes on protein structure and function are either unavailable or do not agree on the potential impact of this missense change (SIFT: "Deleterious"; PolyPhen-2: "Benign"; Align-GVGD: "Class C0"). In summary, the available evidence is currently insufficient to determine the role of this variant in disease. Therefore, it has been classified as a Variant of Uncertain Significance. This variant has not been reported in the literature in individuals affected with ZEB2-related conditions. This sequence change replaces glutamic acid, which is acidic and polar, with alanine, which is neutral and non-polar, at codon 87 of the ZEB2 protein (p.Glu87Ala). This variant is not present in population databases (gnomAD no frequency).